The following continues an entry in ClinVar:

NM_001384140.1(PCDH15):c.733C>T (p.Arg245Ter)

Gene: PCDH15. ClinVar aggregate classification (germline): Pathogenic. Pathogenic (17).

Submissions 14 to 28 of 28:

Myriad Genetics, Inc.
Classification: Pathogenic for Usher syndrome type 1D. Last evaluated: 2019-10-18. Review status: criteria provided, single submitter. Criteria: Myriad Women's Health Autosomal Recessive and X-Linked Classification Criteria (2019). Collection method: clinical testing. Allele origin: unknown.
Comment: NM_033056.3(PCDH15):c.733C>T(R245*) is classified as pathogenic in the context of PCDH15-related disorders. Sources cited for classification include the following: PMID 15028842, 12711741. Classification of NM_033056.3(PCDH15):c.733C>T(R245*) is based on the following criteria: The variant causes a premature termination codon that is expected to be targeted by nonsense-mediated mRNA decay and is reported in individuals with the relevant phenotype. Please note: this variant was assessed in the context of healthy population screening.

Women's Health and Genetics/Laboratory Corporation of America, LabCorp
Classification: Pathogenic for Usher syndrome type 1F. Last evaluated: 2016-04-28. Review status: criteria provided, single submitter. Criteria: LabCorp Variant Classification Summary - May 2015. Collection method: clinical testing. Allele origin: germline.
Comment: Variant summary: The variant of interest causes a nonsense mutation in exon 8 rresulting in a premature termination codon, a known mechanism for disease, as these types of variants are predicted to cause transcript degradation through nonsense mediated decay or produce a truncated protein. This variant is found in 43/124454 control chromosomes at a frequency of 0.0003455, which does not exceed the maximal expected frequency of a pathogenic allele (0.0031623). The variant of interest has predominantly been observed in Ashkenazi jewish affected individuals via publications. In addition, multiple reputable databases/clinical laboratories cite the variant as "pathogenic." Therefore, taking all available lines of evidence into consideration, the variant of interest is classified as Pathogenic.

Laboratory for Molecular Medicine, Mass General Brigham Personalized Medicine
Classification: Pathogenic for Rare genetic deafness. Last evaluated: 2010-08-27. Review status: criteria provided, single submitter. Criteria: LMM Criteria. Collection method: clinical testing. Allele origin: germline. Observed: 5 variant alleles.
Comment: The Arg245X variant leads to a premature stop codon at position 245, which is pr edicted to lead to a truncated or absent protein. The variant is known to be pat hogenic and is a common cause of Usher syndrome in the Ashkenazi Jewish populati on (Ben-Yosef 2003, Brownstein 2004).

Baylor Genetics
Classification: Pathogenic for Usher syndrome type 1. Review status: criteria provided, single submitter. Criteria: ACMG Guidelines, 2015. Collection method: clinical testing. Allele origin: germline.

Sharon lab, Hadassah-Hebrew University Medical Center
Classification: Pathogenic for usher syndrome type 1. Last evaluated: 2019-06-23. Review status: no assertion criteria provided. Collection method: research. Allele origin: inherited. Affected: yes. Not counted in ClinVar's aggregate classification.

Laboratory of Prof. Karen Avraham, Tel Aviv University
Classification: Pathogenic for Autosomal recessive nonsyndromic hearing loss 23. Last evaluated: 2018-07-05. Review status: no assertion criteria provided. Collection method: research. Allele origin: germline. Affected: yes. Not counted in ClinVar's aggregate classification.
Comment: Congenital, severe HL; observed together in digenic inheritance with NM_000260.3:c.620A>G

Laboratory of Prof. Karen Avraham, Tel Aviv University
Classification: Pathogenic for Usher syndrome type 1F. Last evaluated: 2018-05-07. Review status: no assertion criteria provided. Collection method: research. Allele origin: germline. Affected: yes. Not counted in ClinVar's aggregate classification.
Comment: Recessive, congenital, profound HL; USH1F

Division of Human Genetics, Children's Hospital of Philadelphia
Classification: Pathogenic for Usher syndrome type 1F; Usher syndrome type 1D; Autosomal recessive nonsyndromic hearing loss 23. Last evaluated: 2015-09-30. Review status: no assertion criteria provided. Collection method: research. Allele origin: germline. Study: CSER-PediSeq. Not counted in ClinVar's aggregate classification.

Counsyl
Classification: Pathogenic for Usher syndrome type 1F. Last evaluated: 2015-06-17. Review status: no assertion criteria provided. Collection method: clinical testing. Allele origin: unknown. Not counted in ClinVar's aggregate classification.

OMIM
Classification: Pathogenic for USHER SYNDROME, TYPE IF. Last evaluated: 2003-04-24. Review status: no assertion criteria provided. Collection method: literature only. Allele origin: germline. Not counted in ClinVar's aggregate classification.

Clinical Genetics DNA and cytogenetics Diagnostics Lab, Erasmus MC, Erasmus Medical Center
Classification: Pathogenic. Review status: no assertion criteria provided. Collection method: clinical testing. Allele origin: germline. Affected: yes. Study: VKGL Data-share Consensus. Not counted in ClinVar's aggregate classification.

Department of Pathology and Laboratory Medicine, Sinai Health System
Classification: Pathogenic. Review status: no assertion criteria provided. Collection method: clinical testing. Allele origin: unknown. Affected: yes. Study: The Canadian Open Genetics Repository (COGR). Not counted in ClinVar's aggregate classification.
Comment: The PCDH15 p.Arg250* variant is known to cause autosomal recessive type 1 Usher syndrome, especially in the Ashkenazi Jewish population (Perreault-Micale_2014_PMID:25307757; Ben-Yosef_2003_PMID:12711741; Brownstein_2004_PMID:15028842). The variant was identified in dbSNP (ID: rs111033260), Cosmic, LOVD 3.0 and in ClinVar (classified as pathogenic by GeneD, Counsyl, Integrated Genetics, Children's Hospital of Philadelphia Division of Human Genetics and Laboratory for Molecular Medicine, Partners HealthCare Personalized Medicine for Usher syndrome types 1G, 1, 1D, 1F). The variant was also identified in control databases in 57 of 282438 chromosomes at a frequency of 0.000202 (Genome Aggregation Database Feb 27, 2017). The variant was observed in the following populations: Ashkenazi Jewish in 45 of 10358 chromosomes (freq: 0.004344), Latino in 8 of 35398 chromosomes (freq: 0.000226), Other in 1 of 7218 chromosomes (freq: 0.000139) and European (non-Finnish) in 3 of 128826 chromosomes (freq: 0.000023); it was not observed in the African, East Asian, European (Finnish) and South Asian populations. The c.748C>T variant leads to a premature stop codon at position 240, which is predicted to lead to a truncated or absent protein and loss of function. Loss of function variants of the PCDH15 gene are an established mechanism of disease in Usher syndrome and, when found in the homozygous or compound heterozygous state with another pathogenic variant, is the type of variant expected to cause the disorder. In summary, based on the above information this variant meets our laboratoryâ€šÃ„Ã´s criteria to be classified as pathogenic.

GeneReviews
No classification provided. Condition: Usher syndrome type 1G. Review status: no classification provided. Collection method: literature only. Allele origin: unknown. Not counted in ClinVar's aggregate classification.

GeneReviews
No classification provided. Condition: Usher syndrome type 1. Review status: no classification provided. Collection method: literature only. Allele origin: germline. Affected: yes. Not counted in ClinVar's aggregate classification.

Joint Genome Diagnostic Labs from Nijmegen and Maastricht, Radboudumc and MUMC+
Classification: Pathogenic. Review status: no assertion criteria provided. Collection method: clinical testing. Allele origin: germline. Affected: yes. Study: VKGL Data-share Consensus. Not counted in ClinVar's aggregate classification.

Literature cited by the submitters: PubMed 15028842 (cited by 5 submitters); PubMed 34751129 (cited by Laboratory of Molecular, Cellular and Translation Genetics in Otolaryngology/ Lim32-hcfmusp, University of Sao Paulo School of Medicine Clinics Hospital and Natera, Inc.); PubMed 37312453 (cited by Laboratory of Molecular, Cellular and Translation Genetics in Otolaryngology/ Lim32-hcfmusp, University of Sao Paulo School of Medicine Clinics Hospital); PubMed 42233699 (cited by Laboratory of Molecular, Cellular and Translation Genetics in Otolaryngology/ Lim32-hcfmusp, University of Sao Paulo School of Medicine Clinics Hospital); PubMed 11398101 (cited by Labcorp Genetics (formerly Invitae), Labcorp); PubMed 11487575 (cited by Labcorp Genetics (formerly Invitae), Labcorp); PubMed 14570705 (cited by Labcorp Genetics (formerly Invitae), Labcorp); PubMed 12711741 (cited by 8 submitters); PubMed 22815625 (cited by Labcorp Genetics (formerly Invitae), Labcorp and Division of Human Genetics, Children's Hospital of Philadelphia); PubMed 27460420 (cited by Labcorp Genetics (formerly Invitae), Labcorp); PubMed 25425308 (cited by Natera, Inc.); PubMed 24105371 (cited by Laboratory of Prof. Karen Avraham, Tel Aviv University); PubMed 25262649 (cited by Division of Human Genetics, Children's Hospital of Philadelphia); PubMed 25525159 (cited by Division of Human Genetics, Children's Hospital of Philadelphia); PubMed 25307757 (cited by Division of Human Genetics, Children's Hospital of Philadelphia); PubMed 20301442 (cited by GeneReviews); NCBI Bookshelf NBK1265 (cited by GeneReviews).